The following is an entry in ClinVar:

NM_213599.3(ANO5):c.1372T>C (p.Trp458Arg)

Gene: ANO5 (anoctamin 5; plus strand). Cytogenetic location: 11p14.3.
Variant type: single nucleotide variant.
Coding change: c.1372T>C on transcript NM_213599.3 (MANE Select); coding-DNA position 1372, T replaced by C.
Protein change: p.Trp458Arg; replaces tryptophan 458 with arginine.
Molecular consequence: missense variant.
Genome position (GRCh38, 1-based): chr11:22,257,719, T>C. VCF-style: chr11-22257719-T-C. GRCh37 (hg19) VCF-style: chr11-22279265-T-C.
Other names: c.1369T>C, p.Trp457Arg (NM_001142649.2); c.1330T>C, p.Trp444Arg (NM_001410963.1); c.1327T>C, p.Trp443Arg (NM_001410964.1); short protein forms W443R, W458R, W457R, W444R.
Identifiers: ClinVar variation 2177311 (VCV002177311.7), dbSNP rs1398252521, ClinGen allele CA379921793.
Genomic context (GRCh38, chr11:22,257,719, plus strand): 5'-GTGATTTCTTCAATATTACAGGAGATGGAACCTTACATGCCTCTATACACGCGTATTCCA[T>C]GGTACTTTCTTTCAGGAGCCACAGTGACATTATGGGTGAGCATTTCTTTAAAAATTGCTA-3'
Protein context (NP_998764.1, residues 448-468): PYMPLYTRIP[Trp458Arg]YFLSGATVTL

ClinVar aggregate classification (germline): Uncertain significance. Review status: criteria provided, multiple submitters, no conflicts (2 of 4 stars). 2 submissions from 2 submitters: Uncertain significance (2). Last evaluated 2022-11-15.

Conditions:
Gnathodiaphyseal dysplasia (GDD). Also called: GNATHODIAPHYSEAL SCLEROSIS; OSTEOGENESIS IMPERFECTA WITH UNUSUAL SKELETAL LESIONS. Identifiers: Orphanet 53697, MedGen C1833736, MONDO:0008151, OMIM 166260.
Autosomal recessive limb-girdle muscular dystrophy type 2L (LGMDR12). Also called: Limb-girdle muscular dystrophy, type 2L; Limb-Girdle Muscular Dystrophy R12 Anoctamin-5-Related (LGMD-R12); MUSCULAR DYSTROPHY, LIMB-GIRDLE, AUTOSOMAL RECESSIVE 12. Identifiers: Orphanet 206549, MedGen C1969785, MONDO:0012652, OMIM 611307.

Allele frequency attached by ClinVar (database versions not stated): gnomAD exomes below 0.00001; gnomAD 0.00001; TOPMed 0.00002.
gnomAD v4.1: 4 of 1,612,844 alleles (0.00025%); highest among the groups gnomAD compares: Non-Finnish European, 0.00025%; no homozygotes.

Submissions (2):

Labcorp Genetics (formerly Invitae), Labcorp
Classification: Uncertain significance for Autosomal recessive limb-girdle muscular dystrophy type 2L; Gnathodiaphyseal dysplasia. Last evaluated: 2022-11-15. Review status: criteria provided, single submitter. Criteria: Invitae Variant Classification Sherloc (09022015). Collection method: clinical testing. Allele origin: germline.
Comment: In summary, the available evidence is currently insufficient to determine the role of this variant in disease. Therefore, it has been classified as a Variant of Uncertain Significance. Advanced modeling of protein sequence and biophysical properties (such as structural, functional, and spatial information, amino acid conservation, physicochemical variation, residue mobility, and thermodynamic stability) performed at Invitae indicates that this missense variant is not expected to disrupt ANO5 protein function. This variant has not been reported in the literature in individuals affected with ANO5-related conditions. This variant is not present in population databases (gnomAD no frequency). This sequence change replaces tryptophan, which is neutral and slightly polar, with arginine, which is basic and polar, at codon 458 of the ANO5 protein (p.Trp458Arg).

Revvity Omics, Revvity
Classification: Uncertain significance. Last evaluated: 2020-01-03. Review status: criteria provided, single submitter. Criteria: ACMG Guidelines, 2015. Collection method: clinical testing. Allele origin: germline.